The following is an entry in ClinVar:

ClinVar aggregate classification (germline): Uncertain significance (1 of 4 stars; one submission).

Conditions:
Inborn genetic diseases. Identifiers: MedGen C0950123, MeSH D030342.

Submission:

Ambry Genetics
Classification: Uncertain significance for Inborn genetic diseases. Last evaluated: 2025-08-01. Review status: criteria provided, single submitter. Criteria: Ambry Variant Classification Scheme 2023. Collection method: clinical testing. Allele origin: germline.
Comment: The p.M189R variant (also known as c.566T>G), located in coding exon 4 of the MECOM gene, results from a T to G substitution at nucleotide position 566. The methionine at codon 189 is replaced by arginine, an amino acid with similar properties. This amino acid position is conserved. In addition, this alteration is predicted to be deleterious by in silico analysis. Based on the available evidence, the clinical significance of this variant remains unclear.

NM_004991.4(MECOM):c.566T>G (p.Met189Arg)

Gene: MECOM (MDS1 and EVI1 complex locus; minus strand). Cytogenetic location: 3q26.2.
Variant type: single nucleotide variant.
Coding change: c.566T>G on transcript NM_004991.4 (MANE Select); coding-DNA position 566, T replaced by G.
Protein change: p.Met189Arg; replaces methionine 189 with arginine.
Molecular consequence: missense variant. On other transcripts: initiator codon variant (12).
Genome position (GRCh38, 1-based): chr3:169,131,476, A>C on the plus strand (T>G on the coding strand, the complement: MECOM is on the minus strand). VCF-style: chr3-169131476-A-C. GRCh37 (hg19) VCF-style: chr3-168849264-A-C.
Other names: c.194T>G, p.Met65Arg (NM_001105077.4); c.2T>G, p.Met1Arg (NM_001105078.4, NM_001163999.2, NM_001164000.2 and 9 more transcripts); c.566T>G, p.Met189Arg (NM_001366466.2, NM_001366473.2); short protein forms M189R, M65R, M1R.
Identifiers: ClinVar variation 4105806 (VCV004105806.1).